The following is an entry in ClinVar:

ClinVar aggregate classification (germline): Pathogenic (1 of 4 stars; one submission).

Conditions:
CHARGE syndrome (CHARGE). Also called: CHARGE ASSOCIATION--COLOBOMA, HEART ANOMALY, CHOANAL ATRESIA, RETARDATION, GENITAL AND EAR ANOMALIES; Coloboma, heart anomaly, choanal atresia, retardation, genital and ear anomalies; CHARGE association; Hall-Hittner syndrome; Hittner Hirsch Kreh syndrome. Identifiers: Orphanet 138, MedGen C0265354, MONDO:0008965.

Submission:

Labcorp Genetics (formerly Invitae), Labcorp
Classification: Pathogenic for CHARGE syndrome. Last evaluated: 2016-11-08. Review status: criteria provided, single submitter. Criteria: Invitae Variant Classification Sherloc (09022015). Collection method: clinical testing. Allele origin: germline.
Comment: In summary, donor and acceptor splice site variants are typically loss-of-function (PMID: 16199547), and loss-of-function variants in CHD7 are known to be pathogenic (PMID: 16400610, 22461308). As a result, this variant has been classified as Pathogenic. A different variant affecting this nucleotide has been reported de novo in a patient affected with CHARGE syndrome (PMID: 16400610), indicating that this nucleotide is crucial for normal RNA splicing. This variant is not present in population databases (ExAC no frequency) and has not been reported in the literature in individuals with a CHD7-related disease. This sequence change affects an acceptor splice site in intron 3 of the CHD7 gene. It is expected to disrupt RNA splicing and likely results in an absent or disrupted protein product.

Literature cited by the submitters: PubMed 16199547; PubMed 16400610; PubMed 22461308.

NM_017780.4(CHD7):c.2097-1G>C

Gene: CHD7 (chromodomain helicase DNA binding protein 7; plus strand). Cytogenetic location: 8q12.2.
Variant type: single nucleotide variant.
Coding change: c.2097-1G>C on transcript NM_017780.4 (MANE Select); the canonical splice acceptor site of the intron before coding-DNA position 2097, G replaced by C.
Molecular consequence: splice acceptor variant. On other transcripts: intron variant (1).
Genome position (GRCh38, 1-based): chr8:60,794,985, G>C. VCF-style: chr8-60794985-G-C. GRCh37 (hg19) VCF-style: chr8-61707544-G-C.
Other names: c.1716+13935G>C (NM_001316690.1).
Identifiers: ClinVar variation 411182 (VCV000411182.9), dbSNP rs1060503182, ClinGen allele CA16612519.